The following is an entry in ClinVar:

ClinVar aggregate classification (germline): Uncertain significance. Review status: criteria provided, multiple submitters, no conflicts (2 of 4 stars). 2 submissions from 2 submitters: Uncertain significance (2). Last evaluated 2025-04-03.

Conditions:
Hereditary cancer-predisposing syndrome. Also called: Tumor predisposition; Hereditary neoplastic syndrome; Neoplastic Syndromes, Hereditary; Hereditary Cancer Syndrome. Identifiers: Orphanet 140162, MedGen C0027672, MeSH D009386, MONDO:0015356.
Microcephaly, normal intelligence and immunodeficiency (NBS). Also called: BERLIN BREAKAGE SYNDROME; Immunodeficiency, microcephaly with normal intelligence; Ataxia telangiectasia variant V1; SEEMANOVA SYNDROME II; Nijmegen breakage syndrome; Microcephaly with normal intelligence immunodeficiency and lymphoreticular malignancies. Identifiers: Orphanet 647, MedGen C0398791, MONDO:0009623, OMIM 251260.

Allele frequency attached by ClinVar (database versions not stated): gnomAD exomes below 0.00001; TOPMed 0.00001.
gnomAD v4.1: 2 of 1,613,408 alleles (0.00012%); highest among the groups gnomAD compares: African/African-American, 0.0013%; no homozygotes.

Submissions (2):

Ambry Genetics
Classification: Uncertain significance for Hereditary cancer-predisposing syndrome. Last evaluated: 2025-04-03. Review status: criteria provided, single submitter. Criteria: Ambry Variant Classification Scheme 2023. Collection method: clinical testing. Allele origin: germline.
Comment: The p.L238S variant (also known as c.713T>C), located in coding exon 7 of the NBN gene, results from a T to C substitution at nucleotide position 713. The leucine at codon 238 is replaced by serine, an amino acid with dissimilar properties. This amino acid position is conserved. In addition, this alteration is predicted to be deleterious by in silico analysis. Since supporting evidence is limited at this time, the clinical significance of this alteration remains unclear.

Labcorp Genetics (formerly Invitae), Labcorp
Classification: Uncertain significance for Microcephaly, normal intelligence and immunodeficiency. Last evaluated: 2021-08-30. Review status: criteria provided, single submitter. Criteria: Invitae Variant Classification Sherloc (09022015). Collection method: clinical testing. Allele origin: germline.
Comment: This sequence change replaces leucine with serine at codon 238 of the NBN protein (p.Leu238Ser). The leucine residue is highly conserved and there is a large physicochemical difference between leucine and serine. This variant is not present in population databases (ExAC no frequency). This variant has not been reported in the literature in individuals affected with NBN-related conditions. Algorithms developed to predict the effect of missense changes on protein structure and function are either unavailable or do not agree on the potential impact of this missense change (SIFT: "Deleterious"; PolyPhen-2: "Probably Damaging"; Align-GVGD: "Class C0"). In summary, the available evidence is currently insufficient to determine the role of this variant in disease. Therefore, it has been classified as a Variant of Uncertain Significance.

NM_002485.5(NBN):c.713T>C (p.Leu238Ser)

Gene: NBN (nibrin; minus strand). Cytogenetic location: 8q21.3.
Variant type: single nucleotide variant.
Coding change: c.713T>C on transcript NM_002485.5 (MANE Select); coding-DNA position 713, T replaced by C.
Protein change: p.Leu238Ser; replaces leucine 238 with serine.
Molecular consequence: missense variant.
Genome position (GRCh38, 1-based): chr8:89,970,547, A>G on the plus strand (T>C on the coding strand, the complement: NBN is on the minus strand). VCF-style: chr8-89970547-A-G. GRCh37 (hg19) VCF-style: chr8-90982775-A-G.
Other names: c.467T>C, p.Leu156Ser (NM_001024688.3); short protein forms L156S, L238S.
Identifiers: ClinVar variation 1378716 (VCV001378716.6), dbSNP rs1358736677, ClinGen allele CA371658879.